The following is an entry in ClinVar:

ClinVar aggregate classification (germline): Pathogenic. Review status: criteria provided, multiple submitters, no conflicts (2 of 4 stars). 3 submissions from 3 submitters: Pathogenic (2). 1 of the submissions does not count toward it. Last evaluated 2024-08-08.

Conditions:
Cholestanol storage disease (CTX). Also called: Cerebrotendinous Xanthomatosis; CEREBRAL CHOLESTERINOSIS; CTX: Cerebrotendinous xanthomatosis. Identifiers: Orphanet 909, MedGen C0238052, MONDO:0008948, OMIM 213700.

Submissions (3):

Labcorp Genetics (formerly Invitae), Labcorp
Classification: Pathogenic for Cholestanol storage disease. Last evaluated: 2024-08-08. Review status: criteria provided, single submitter. Criteria: Invitae Variant Classification Sherloc (09022015). Collection method: clinical testing. Allele origin: germline.
Comment: This sequence change affects an acceptor splice site in intron 4 of the CYP27A1 gene. It is expected to disrupt RNA splicing. Variants that disrupt the donor or acceptor splice site typically lead to a loss of protein function (PMID: 16199547), and loss-of-function variants in CYP27A1 are known to be pathogenic (PMID: 9392430, 10775536, 26937392). This variant is not present in population databases (gnomAD no frequency). Disruption of this splice site has been observed in individuals with cerebrotendinous xanthomatosis (PMID: 8514861, 21645175, 27084087). ClinVar contains an entry for this variant (Variation ID: 555156). Algorithms developed to predict the effect of sequence changes on RNA splicing suggest that this variant may disrupt the consensus splice site. For these reasons, this variant has been classified as Pathogenic.

Natera, Inc.
Classification: Pathogenic for Cerebrotendinous xanthomatosis. Last evaluated: 2024-02-20. Review status: criteria provided, single submitter. Criteria: Natera Variant Classification Schema (03/2026). Collection method: clinical testing. Allele origin: germline.
Comment: The c.845-2A>G variant in CYP27A1 is a canonical splice acceptor site variant predicted to affect pre-mRNA splicing, which may result in an abnormal transcript and altered protein product. This variant is expected to result in nonsense mediated decay, truncation, or a dysfunctional protein product. This variant is rare in the general population with a frequency below the threshold expected for the associated phenotype(s). Another variant at this same site results in an alteration predicted to cause a similar molecular effect has been observed in individual(s) with the associated phenotype. Given the available evidence, this variant is classified as Pathogenic.

Counsyl
Classification: Likely pathogenic for Cholestanol storage disease. Last evaluated: 2017-11-20. Review status: no assertion criteria provided. Collection method: clinical testing. Allele origin: unknown. Not counted in ClinVar's aggregate classification.

Literature cited by the submitters: PubMed 16199547 (cited by Labcorp Genetics (formerly Invitae), Labcorp); PubMed 9392430 (cited by Labcorp Genetics (formerly Invitae), Labcorp); PubMed 10775536 (cited by Labcorp Genetics (formerly Invitae), Labcorp); PubMed 26937392 (cited by Labcorp Genetics (formerly Invitae), Labcorp); PubMed 8514861 (cited by Labcorp Genetics (formerly Invitae), Labcorp); PubMed 21645175 (cited by Labcorp Genetics (formerly Invitae), Labcorp); PubMed 27084087 (cited by Labcorp Genetics (formerly Invitae), Labcorp).

NM_000784.4(CYP27A1):c.845-2A>G

Gene: CYP27A1 (cytochrome P450 family 27 subfamily A member 1; plus strand). Cytogenetic location: 2q35.
Variant type: single nucleotide variant.
Coding change: c.845-2A>G on transcript NM_000784.4 (MANE Select); the canonical splice acceptor site of the intron before coding-DNA position 845, A replaced by G.
Molecular consequence: splice acceptor variant.
Genome position (GRCh38, 1-based): chr2:218,812,922, A>G. VCF-style: chr2-218812922-A-G. GRCh37 (hg19) VCF-style: chr2-219677645-A-G.
Identifiers: ClinVar variation 555156 (VCV000555156.5), dbSNP rs1553616312, ClinGen allele CA350587910.
Genomic context (GRCh38, chr2:218,812,922, plus strand): 5'-CTTGGTCCTTGGAGATCATGACTTTTGGCTTTGTCCTTTCCTCTTCTCTGTTGCTTTCAC[A>G]GGGAAGAAGCTGATTGATGAGAAGCTCGAAGATATGGAGGCCCAACTGCAGGCAGCAGGG-3'